The following is an entry in ClinVar:

NM_002230.4(JUP):c.229T>C (p.Ser77Pro)

Gene: JUP (junction plakoglobin; minus strand). Cytogenetic location: 17q21.2.
Variant type: single nucleotide variant.
Coding change: c.229T>C on transcript NM_002230.4 (MANE Select); coding-DNA position 229, T replaced by C.
Protein change: p.Ser77Pro; replaces serine 77 with proline.
Molecular consequence: missense variant.
Genome position (GRCh38, 1-based): chr17:41,769,657, A>G on the plus strand (T>C on the coding strand, the complement: JUP is on the minus strand). VCF-style: chr17-41769657-A-G. GRCh37 (hg19) VCF-style: chr17-39925909-A-G.
Other names: c.229T>C, p.Ser77Pro (NM_001352773.2, NM_001352774.2, NM_001352775.2 and 3 more transcripts); short protein forms S77P.
Identifiers: ClinVar variation 3222009 (VCV003222009.2), dbSNP rs2544194465, ClinGen allele CA399506034.
Genomic context (GRCh38, chr17:41,769,657, plus strand): 5'-CCTCGCCTGACACACCAGGGCACATGGCCTCCCGCACCCGTTTGGCCCTGGCTGTTGTGG[A>G]CATCTGGTACTCCAGATCACCTGGGGGCCATGGGGACAGGGACTGAGTGCAGGCAGTGGG-3'
Protein context (NP_002221.1, residues 67-87): PSQGDLEYQM[Ser77Pro]TTARAKRVRE

ClinVar aggregate classification (germline): Uncertain significance. Review status: criteria provided, multiple submitters, no conflicts (2 of 4 stars). 2 submissions from 2 submitters: Uncertain significance (2). Last evaluated 2025-04-28.

Conditions:
Cardiovascular phenotype. Identifiers: MedGen CN230736.
Naxos disease (NXD). Also called: KERATOSIS PALMOPLANTARIS WITH ARRHYTHMOGENIC CARDIOMYOPATHY; MAL DE NAXOS; PALMOPLANTAR KERATODERMA WITH ARRHYTHMOGENIC RIGHT VENTRICULAR CARDIOMYOPATHY AND WOOLLY HAIR; WOOLLY HAIR, PALMOPLANTAR KERATODERMA, AND CARDIAC ABNORMALITIES; CARDIOMYOPATHY, ARRHYTHMOGENIC RIGHT VENTRICULAR, WITH SKIN, HAIR, AND NAIL ABNORMALITIES. Identifiers: Orphanet 34217, MedGen C1832600, MONDO:0011017, OMIM 601214.
Arrhythmogenic right ventricular dysplasia 12. Also called: ARRHYTHMOGENIC RIGHT VENTRICULAR DYSPLASIA, FAMILIAL, 12. Identifiers: MedGen C1969081, MONDO:0012684, OMIM 611528.

Allele frequency attached by ClinVar (database versions not stated): gnomAD exomes below 0.00001.
gnomAD v4.1: 1 of 1,608,720 alleles (0.000062%); highest among the groups gnomAD compares: Non-Finnish European, 0.000085%; no homozygotes.

Submissions (2):

Labcorp Genetics (formerly Invitae), Labcorp
Classification: Uncertain significance for Arrhythmogenic right ventricular dysplasia 12; Naxos disease. Last evaluated: 2025-04-28. Review status: criteria provided, single submitter. Criteria: Invitae Variant Classification Sherloc (09022015). Collection method: clinical testing. Allele origin: germline.
Comment: This sequence change replaces serine, which is neutral and polar, with proline, which is neutral and non-polar, at codon 77 of the JUP protein (p.Ser77Pro). This variant is not present in population databases (gnomAD no frequency). This variant has not been reported in the literature in individuals affected with JUP-related conditions. ClinVar contains an entry for this variant (Variation ID: 3222009). An algorithm developed to predict the effect of missense changes on protein structure and function (PolyPhen-2) suggests that this variant is likely to be tolerated. In summary, the available evidence is currently insufficient to determine the role of this variant in disease. Therefore, it has been classified as a Variant of Uncertain Significance.

Ambry Genetics
Classification: Uncertain significance for Cardiovascular phenotype. Last evaluated: 2024-01-08. Review status: criteria provided, single submitter. Criteria: Ambry Variant Classification Scheme 2023. Collection method: clinical testing. Allele origin: germline.
Comment: The p.S77P variant (also known as c.229T>C), located in coding exon 2 of the JUP gene, results from a T to C substitution at nucleotide position 229. The serine at codon 77 is replaced by proline, an amino acid with similar properties. This amino acid position is conserved. In addition, this alteration is predicted to be tolerated by in silico analysis. Since supporting evidence is limited at this time, the clinical significance of this alteration remains unclear.